The following is an entry in ClinVar:

NM_000096.4(CP):c.1679G>T (p.Cys560Phe)

Gene: CP (ceruloplasmin; minus strand). Cytogenetic location: 3q24.
Variant type: single nucleotide variant.
Coding change: c.1679G>T on transcript NM_000096.4 (MANE Select); coding-DNA position 1679, G replaced by T.
Protein change: p.Cys560Phe; replaces cysteine 560 with phenylalanine.
Molecular consequence: missense variant. On other transcripts: non-coding transcript variant (1).
Genome position (GRCh38, 1-based): chr3:149,198,401, C>A on the plus strand (G>T on the coding strand, the complement: CP is on the minus strand). VCF-style: chr3-149198401-C-A. GRCh37 (hg19) VCF-style: chr3-148916188-C-A.
Other names: short protein forms C560F.
Identifiers: ClinVar variation 424620 (VCV000424620.4), dbSNP rs1064797073, ClinGen allele CA16621520.

ClinVar aggregate classification (germline): Conflicting classifications of pathogenicity. Review status: criteria provided, conflicting classifications (1 of 4 stars). 2 submissions from 2 submitters: Likely pathogenic (1); Uncertain significance (1). Last evaluated 2024-05-13.

Conditions:
Deficiency of ferroxidase (ACEP). Also called: Ceruloplasmin deficiency; Familial apoceruloplasmin deficiency; Hereditary ceruloplasmin deficiency; Aceruloplasminemia; Deficiency of ceruloplasmin; NEURODEGENERATION WITH BRAIN IRON ACCUMULATION 10. Identifiers: Orphanet 48818, MedGen C0878682, MONDO:0011426, OMIM 604290, HP:0025498.

Allele frequency attached by ClinVar (database versions not stated): gnomAD exomes below 0.00001.
gnomAD v4.1: 1 of 1,613,930 alleles (0.000062%); highest among the groups gnomAD compares: Non-Finnish European, 0.000085%; no homozygotes.

Submissions (2):

Women's Health and Genetics/Laboratory Corporation of America, LabCorp
Classification: Uncertain significance. Last evaluated: 2024-05-13. Review status: criteria provided, single submitter. Criteria: LabCorp Variant Classification Summary - May 2015. Collection method: clinical testing. Allele origin: germline.
Comment: Variant summary: CP c.1679G>T (p.Cys560Phe) results in a non-conservative amino acid change in the encoded protein sequence. Five of five in-silico tools predict a damaging effect of the variant on protein function. The variant was absent in 251144 control chromosomes. The available data on variant occurrences in the general population are insufficient to allow any conclusion about variant significance. c.1679G>T has been reported in the literature in at least 1 homozygous individual affected with Neurodegeneration With Brain Iron Accumulation (example, Vila Cuenca_2020). This report does not provide unequivocal conclusions about association of the variant with Neurodegeneration With Brain Iron Accumulation. To our knowledge, no experimental evidence demonstrating an impact on protein function has been reported. The following publication has been ascertained in the context of this evaluation (PMID: 32235485).ClinVar contains an entry for this variant (Variation ID: 424620). Based on the evidence outlined above, the variant was classified as uncertain significance.

GenePathDx, GenePath diagnostics
Classification: Likely pathogenic for Aceruloplasminemia. Last evaluated: 2017-02-01. Review status: criteria provided, single submitter. Criteria: GenePathDx_Criteria_classificationV2. Collection method: clinical testing. Allele origin: germline. Inheritance: Autosomal recessive inheritance. Affected: yes. Observed: 1 variant allele.
Comment: Next generation DNA sequencing ofperipheral blood sample has revealed the presence of two homozygous variants in the CP gene. The c.1652C>T variant is being classified as a â€˜Variant of Unknown Significance, likely benignâ€™, while the c.1679G>T variant is being classified as a â€˜Variant of Unknown Significance, likely pathogenicâ€™ based on available evidence in the databases and in silico mutation prediction methods.

Literature cited by the submitters: PubMed 32235485 (cited by Women's Health and Genetics/Laboratory Corporation of America, LabCorp).